The following is an entry in ClinVar:

ClinVar aggregate classification (germline): Likely benign (1 of 4 stars; one submission).

Allele frequency attached by ClinVar (database versions not stated): TOPMed below 0.00001; gnomAD 0.00001; ExAC 0.00008; 1000 Genomes Project 0.00020; 1000 Genomes Project 30x 0.00031.
gnomAD v4.1: 16 of 1,614,156 alleles (0.00099%); highest among the groups gnomAD compares: South Asian, 0.013%; no homozygotes.

Submission:

CeGaT Center for Human Genetics Tuebingen
Classification: Likely benign. Last evaluated: 2022-12-01. Review status: criteria provided, single submitter. Criteria: CeGaT Center For Human Genetics Tuebingen Variant Classification Criteria Version 2. Collection method: clinical testing. Allele origin: germline. Affected: yes. Observed: 1 variant allele.
Comment: RXFP2: BP4

NM_130806.5(RXFP2):c.1622T>C (p.Ile541Thr)

Gene: RXFP2 (relaxin family peptide receptor 2; plus strand). Cytogenetic location: 13q13.1.
Variant type: single nucleotide variant.
Coding change: c.1622T>C on transcript NM_130806.5 (MANE Select); coding-DNA position 1622, T replaced by C.
Protein change: p.Ile541Thr; replaces isoleucine 541 with threonine.
Molecular consequence: missense variant.
Genome position (GRCh38, 1-based): chr13:31,792,924, T>C. VCF-style: chr13-31792924-T-C. GRCh37 (hg19) VCF-style: chr13-32367061-T-C.
Other names: c.1550T>C, p.Ile517Thr (NM_001166058.2); short protein forms I517T, I541T.
Identifiers: ClinVar variation 2643719 (VCV002643719.24), dbSNP rs566534731, ClinGen allele CA6937505.
Genomic context (GRCh38, chr13:31,792,924, plus strand): 5'-TCCTGGTCATTGTCTTCCCCTTCAGTAACATTCGACCTGGAAAACGGCAGACCTCAGTCA[T>C]CCTCATTTGCATCTGGATGGCGGGATTTTTAATAGCTGTAATTCCATTTTGGAATAAGGA-3'
Protein context (NP_570718.1, residues 531-551): IRPGKRQTSV[Ile541Thr]LICIWMAGFL